The following is an entry in ClinVar:

NM_016188.5(ACTL6B):c.1045G>A (p.Gly349Ser)

Gene: ACTL6B (actin like 6B; minus strand). Cytogenetic location: 7q22.1.
Variant type: single nucleotide variant.
Coding change: c.1045G>A on transcript NM_016188.5 (MANE Select); coding-DNA position 1045, G replaced by A.
Protein change: p.Gly349Ser; replaces glycine 349 with serine.
Molecular consequence: missense variant. On other transcripts: non-coding transcript variant (1).
Genome position (GRCh38, 1-based): chr7:100,646,619, C>T on the plus strand (G>A on the coding strand, the complement: ACTL6B is on the minus strand). VCF-style: chr7-100646619-C-T. GRCh37 (hg19) VCF-style: chr7-100244242-C-T.
Other names: short protein forms G349S.
Identifiers: ClinVar variation 635101 (VCV000635101.6), dbSNP rs955171017, ClinGen allele CA163293959.

ClinVar aggregate classification (germline): Likely pathogenic. Review status: criteria provided, multiple submitters, no conflicts (2 of 4 stars). 4 submissions from 4 submitters: Likely pathogenic (2). 2 of the submissions do not count toward it. Last evaluated 2023-08-15.

Conditions:
ACTL6B-related recessive epilepsy.
Developmental and epileptic encephalopathy, 76. Also called: EPILEPTIC ENCEPHALOPATHY, EARLY INFANTILE, 76; DEVELOPMENTAL DELAY, EPILEPTIC ENCEPHALOPATHY, CEREBRAL ATROPHY, AND ABNORMAL MYELINATION. Identifiers: MedGen C5193113, MONDO:0032768, OMIM 618468.
ACTL6B-related disorder. Also called: ACTL6B-related condition.

Allele frequency attached by ClinVar (database versions not stated): TOPMed 0.00001.
gnomAD v4.1: 6 of 1,614,096 alleles (0.00037%); highest among the groups gnomAD compares: Admixed American, 0.0033%; no homozygotes.

Submissions (4):

Blueprint Genetics
Classification: Likely pathogenic for ACTL6B-related disorders. Last evaluated: 2023-08-15. Review status: criteria provided, single submitter. Criteria: ACMG Guidelines, 2015. Collection method: clinical testing. Allele origin: germline. Affected: yes. Observed: 1 variant allele.

SIB Swiss Institute of Bioinformatics
Classification: Likely pathogenic for Developmental and epileptic encephalopathy, 76. Last evaluated: 2019-07-28. Review status: criteria provided, single submitter. Criteria: ACMG Guidelines, 2015. Collection method: curation. Allele origin: unknown.
Comment: This variant is interpreted as a Likely pathogenic for Epileptic encephalopathy, early infantile, 76, autosomal recessive. The following ACMG Tag(s) were applied: PM2, PP3, PP1, PM3.

OMIM
Classification: Pathogenic for EPILEPTIC ENCEPHALOPATHY, EARLY INFANTILE, 76. Last evaluated: 2020-11-25. Review status: no assertion criteria provided. Collection method: literature only. Allele origin: germline. Not counted in ClinVar's aggregate classification.

CHU Sainte-Justine Research Center, University of Montreal
Classification: Likely pathogenic for ACTL6B-related recessive epilepsy. Last evaluated: 2019-03-01. Review status: no assertion criteria provided. Collection method: research. Allele origin: germline. Affected: yes. Not counted in ClinVar's aggregate classification.

Literature cited by the submitters: PubMed 31031012 (cited by SIB Swiss Institute of Bioinformatics); PubMed 30656450 (cited by SIB Swiss Institute of Bioinformatics and OMIM).